The following is an entry in ClinVar:

NM_000071.3(CBS):c.23C>G (p.Ala8Gly)

Gene: CBS (cystathionine beta-synthase; minus strand). Cytogenetic location: 21q22.3.
Variant type: single nucleotide variant.
Coding change: c.23C>G on transcript NM_000071.3 (MANE Select); coding-DNA position 23, C replaced by G.
Protein change: p.Ala8Gly; replaces alanine 8 with glycine.
Molecular consequence: missense variant.
Genome position (GRCh38, 1-based): chr21:43,072,171, G>C on the plus strand (C>G on the coding strand, the complement: CBS is on the minus strand). VCF-style: chr21-43072171-G-C. GRCh37 (hg19) VCF-style: chr21-44492281-G-C.
Other names: c.23C>G, p.Ala8Gly (NM_001178008.3, NM_001178009.3, NM_001320298.2); short protein forms A8G.
Identifiers: ClinVar variation 2161602 (VCV002161602.4), dbSNP rs919403971, ClinGen allele CA321104173.
Genomic context (GRCh38, chr21:43,072,171, plus strand): 5'-AGGCTCCCCTTCGCCGAGTGTGGCCCTGAGCGGTGGGGGCAGCCTGTGGGCCCCACTTCT[G>C]CCTGGGGGGTCTCAGAAGGCATGCTGGGACCTGGCAAAGCAAGGAGAGAGGCGTCGGTTC-3'
Protein context (NP_000062.1, residues 1-18): MPSETPQ[Ala8Gly]EVGPTGCPHR

ClinVar aggregate classification (germline): Uncertain significance. Review status: criteria provided, multiple submitters, no conflicts (2 of 4 stars). 3 submissions from 3 submitters: Uncertain significance (3). Last evaluated 2026-06-19.

Conditions:
HYPERHOMOCYSTEINEMIA, THROMBOTIC, CBS-RELATED. Identifiers: MedGen C3150344, OMIM 236200.
Familial thoracic aortic aneurysm and aortic dissection (TAAD). Also called: Thoracic aortic aneurysms and dissections. Identifiers: Orphanet 91387, MedGen C4707243, MONDO:0019625.

Submissions (3):

Women's Health and Genetics/Laboratory Corporation of America, LabCorp
Classification: Uncertain significance. Last evaluated: 2026-06-19. Review status: criteria provided, single submitter. Criteria: LabCorp Variant Classification Summary - May 2015. Collection method: clinical testing. Allele origin: germline.

Ambry Genetics
Classification: Uncertain significance for Familial thoracic aortic aneurysm and aortic dissection. Last evaluated: 2023-11-03. Review status: criteria provided, single submitter. Criteria: Ambry Variant Classification Scheme 2023. Collection method: clinical testing. Allele origin: germline.

Labcorp Genetics (formerly Invitae), Labcorp
Classification: Uncertain significance for HYPERHOMOCYSTEINEMIA, THROMBOTIC, CBS-RELATED. Last evaluated: 2022-07-04. Review status: criteria provided, single submitter. Criteria: Invitae Variant Classification Sherloc (09022015). Collection method: clinical testing. Allele origin: germline.
Comment: This sequence change replaces alanine, which is neutral and non-polar, with glycine, which is neutral and non-polar, at codon 8 of the CBS protein (p.Ala8Gly). This variant is present in population databases (no rsID available, gnomAD no frequency). This variant has not been reported in the literature in individuals affected with CBS-related conditions. Algorithms developed to predict the effect of missense changes on protein structure and function (SIFT, PolyPhen-2, Align-GVGD) all suggest that this variant is likely to be tolerated. In summary, the available evidence is currently insufficient to determine the role of this variant in disease. Therefore, it has been classified as a Variant of Uncertain Significance.